The following is an entry in ClinVar:

ClinVar aggregate classification (germline): Uncertain significance. Review status: criteria provided, multiple submitters, no conflicts (2 of 4 stars). 2 submissions from 2 submitters: Uncertain significance (2). Last evaluated 2025-09-19.

Conditions:
Birt-Hogg-Dube syndrome. Also called: Birt Hogg Dubé syndrome. Identifiers: Orphanet 122, MedGen C0346010, MONDO:0800444.

Submissions (2):

Labcorp Genetics (formerly Invitae), Labcorp
Classification: Uncertain significance for Birt-Hogg-Dube syndrome. Last evaluated: 2025-09-19. Review status: criteria provided, single submitter. Criteria: Invitae Variant Classification Sherloc (09022015). Collection method: clinical testing. Allele origin: germline.
Comment: This sequence change replaces asparagine, which is neutral and polar, with histidine, which is basic and polar, at codon 301 of the FLCN protein (p.Asn301His). This variant is not present in population databases (gnomAD no frequency). This variant has not been reported in the literature in individuals affected with FLCN-related conditions. ClinVar contains an entry for this variant (Variation ID: 2571981). Invitae Evidence Modeling of protein sequence and biophysical properties (such as structural, functional, and spatial information, amino acid conservation, physicochemical variation, residue mobility, and thermodynamic stability) indicates that this missense variant is not expected to disrupt FLCN protein function with a negative predictive value of 80%. In summary, the available evidence is currently insufficient to determine the role of this variant in disease. Therefore, it has been classified as a Variant of Uncertain Significance.

GeneDx
Classification: Uncertain significance. Last evaluated: 2023-01-10. Review status: criteria provided, single submitter. Criteria: GeneDx Variant Classification Process June 2021. Collection method: clinical testing. Allele origin: germline. Affected: yes.
Comment: Not observed at significant frequency in large population cohorts (gnomAD); In silico analysis supports that this missense variant does not alter protein structure/function; Has not been previously published as pathogenic or benign to our knowledge

NM_144997.7(FLCN):c.901A>C (p.Asn301His)

Gene: FLCN (folliculin; minus strand). Cytogenetic location: 17p11.2.
Variant type: single nucleotide variant.
Coding change: c.901A>C on transcript NM_144997.7 (MANE Select); coding-DNA position 901, A replaced by C.
Protein change: p.Asn301His; replaces asparagine 301 with histidine.
Molecular consequence: missense variant.
Genome position (GRCh38, 1-based): chr17:17,219,180, T>G on the plus strand (A>C on the coding strand, the complement: FLCN is on the minus strand). VCF-style: chr17-17219180-T-G. GRCh37 (hg19) VCF-style: chr17-17122494-T-G.
Other names: c.955A>C, p.Asn319His (NM_001353229.2); c.901A>C, p.Asn301His (NM_001353230.2, NM_001353231.2); short protein forms N301H, N319H.
Identifiers: ClinVar variation 2571981 (VCV002571981.3), dbSNP rs2544196957, ClinGen allele CA398533047.